The following is an entry in ClinVar:

ClinVar aggregate classification (germline): Uncertain significance (1 of 4 stars; one submission).

Conditions:
Surfactant metabolism dysfunction, pulmonary, 4 (SMDP4). Also called: PAP DUE TO CSF2RA DEFICIENCY; PULMONARY ALVEOLAR PROTEINOSIS, CONGENITAL, 4; CSF2RA DEFICIENCY. Identifiers: Orphanet 264675, MedGen C2677877, MONDO:0010424, OMIM 300770.

gnomAD v4.1: 1 of 1,613,896 alleles (0.000062%); highest among the groups gnomAD compares: Non-Finnish European, 0.000085%; no homozygotes.

Submission:

Labcorp Genetics (formerly Invitae), Labcorp
Classification: Uncertain significance for Surfactant metabolism dysfunction, pulmonary, 4. Last evaluated: 2021-11-10. Review status: criteria provided, single submitter. Criteria: Invitae Variant Classification Sherloc (09022015). Collection method: clinical testing. Allele origin: germline.
Comment: This sequence change replaces proline, which is neutral and non-polar, with glutamine, which is neutral and polar, at codon 142 of the CSF2RA protein (p.Pro142Gln). This variant is not present in population databases (gnomAD no frequency). This variant has not been reported in the literature in individuals affected with CSF2RA-related conditions. Algorithms developed to predict the effect of missense changes on protein structure and function output the following: SIFT: "Tolerated"; PolyPhen-2: "Not Available"; Align-GVGD: "Class C0". The glutamine amino acid residue is found in multiple mammalian species, which suggests that this missense change does not adversely affect protein function. In summary, the available evidence is currently insufficient to determine the role of this variant in disease. Therefore, it has been classified as a Variant of Uncertain Significance.

NM_172245.4(CSF2RA):c.425C>A (p.Pro142Gln)

Gene: CSF2RA (colony stimulating factor 2 receptor subunit alpha; plus strand). Cytogenetic location: Xp22.33.
Variant type: single nucleotide variant.
Coding change: c.425C>A on transcript NM_172245.4 (MANE Select); coding-DNA position 425, C replaced by A.
Protein change: p.Pro142Gln; replaces proline 142 with glutamine.
Molecular consequence: missense variant. On other transcripts: non-coding transcript variant (1).
Genome position (GRCh38, 1-based): chrX:1,288,840, C>A. VCF-style: chrX-1288840-C-A. GRCh37 (hg19) VCF-style: chrX-1407733-C-A.
Other names: c.425C>A, p.Pro142Gln (NM_001161529.2, NM_001161530.2, NM_001161531.2 and 20 more transcripts); c.26C>A, p.Pro9Gln (NM_001161532.2); short protein forms P142Q, P9Q.
Identifiers: ClinVar variation 1476165 (VCV001476165.3), dbSNP rs151058706, ClinGen allele CA412235364.